The following is an entry in ClinVar:

ClinVar aggregate classification (germline): Benign. Review status: criteria provided, multiple submitters, no conflicts (2 of 4 stars). 2 submissions from 2 submitters: Benign (2). Last evaluated 2018-06-19.

Allele frequency attached by ClinVar (database versions not stated): ESP Exome Variant Server 0.08718; gnomAD 0.09725; gnomAD exomes 0.11806 and 0.16223; TOPMed 0.13132; ExAC 0.14533; 1000 Genomes Project 30x 0.15069; 1000 Genomes Project 0.15136.
gnomAD v4.1: 184,655 of 1,570,960 alleles (12%); highest among the groups gnomAD compares: Admixed American, 39%; 14,402 homozygotes.

Submissions (2):

GeneDx
Classification: Benign. Last evaluated: 2018-06-19. Review status: criteria provided, single submitter. Criteria: GeneDx Variant Classification (06012015). Collection method: clinical testing. Allele origin: germline. Affected: yes.
Comment: This variant is considered likely benign or benign based on one or more of the following criteria: it is a conservative change, it occurs at a poorly conserved position in the protein, it is predicted to be benign by multiple in silico algorithms, and/or has population frequency not consistent with disease.

Breakthrough Genomics
Classification: Benign. Review status: criteria provided, single submitter. Criteria: ACMG Guidelines, 2015. Collection method: not provided. Allele origin: germline. Inheritance: Autosomal dominant inheritance. Affected: yes.

NM_001005373.4(LRSAM1):c.1912+43G>A

Gene: LRSAM1 (leucine rich repeat and sterile alpha motif containing 1; plus strand). Cytogenetic location: 9q33.3.
Variant type: single nucleotide variant.
Coding change: c.1912+43G>A on transcript NM_001005373.4 (MANE Select); 43 bases into the intron after coding-DNA position 1912, G replaced by A.
Molecular consequence: intron variant.
Genome position (GRCh38, 1-based): chr9:127,497,377, G>A. VCF-style: chr9-127497377-G-A. GRCh37 (hg19) VCF-style: chr9-130259656-G-A.
Other names: c.1912+43G>A (NM_138361.5, NM_001384142.1, NM_001005374.4); c.1813+43G>A (NM_001384143.1); c.1831+43G>A (NM_001190723.3); c.1123+43G>A (NM_001384144.1).
Identifiers: ClinVar variation 683130 (VCV000683130.2), dbSNP rs3802358, ClinGen allele CA5247190.